The following is an entry in ClinVar:

NM_001378964.1(CDON):c.1463A>G (p.Gln488Arg)

Gene: CDON (cell adhesion associated, oncogene regulated; minus strand). Cytogenetic location: 11q24.2.
Variant type: single nucleotide variant.
Coding change: c.1463A>G on transcript NM_001378964.1 (MANE Select); coding-DNA position 1463, A replaced by G.
Protein change: p.Gln488Arg; replaces glutamine 488 with arginine.
Molecular consequence: missense variant.
Genome position (GRCh38, 1-based): chr11:126,010,430, T>C on the plus strand (A>G on the coding strand, the complement: CDON is on the minus strand). VCF-style: chr11-126010430-T-C. GRCh37 (hg19) VCF-style: chr11-125880325-T-C.
Other names: c.1463A>G, p.Gln488Arg (NM_001243597.3, NM_001441161.1, NM_001441162.1 and 5 more transcripts); short protein forms Q488R.
Identifiers: ClinVar variation 4535826 (VCV004535826.2).

ClinVar aggregate classification (germline): Uncertain significance (1 of 4 stars; one submission).

gnomAD v4.1: 4 of 1,614,000 alleles (0.00025%); highest among the groups gnomAD compares: African/African-American, 0.004%; no homozygotes.

Submission:

Women's Health and Genetics/Laboratory Corporation of America, LabCorp
Classification: Uncertain significance. Last evaluated: 2026-05-04. Review status: criteria provided, single submitter. Criteria: LabCorp Variant Classification Summary - May 2015. Collection method: clinical testing. Allele origin: germline.
Comment: Variant summary: CDON c.1463A>G (p.Gln488Arg) results in a conservative amino acid change in the encoded protein sequence. Algorithms developed to predict the effect of missense changes on protein structure and function all suggest that this variant is likely to be tolerated. The variant was absent in 251130 control chromosomes. The available data on variant occurrences in the general population are insufficient to allow any conclusion about variant significance. To our knowledge, no occurrence of c.1463A>G in individuals affected with CDON-related conditions and no experimental evidence demonstrating its impact on protein function have been reported. ClinVar contains an entry for this variant (Variation ID: 4535826). Based on the evidence outlined above, the variant was classified as uncertain significance.